The following is an entry in ClinVar:

NM_000088.4(COL1A1):c.22C>G (p.Arg8Gly)

Gene: COL1A1 (collagen type I alpha 1 chain; minus strand). Cytogenetic location: 17q21.33.
Variant type: single nucleotide variant.
Coding change: c.22C>G on transcript NM_000088.4 (MANE Select); coding-DNA position 22, C replaced by G.
Protein change: p.Arg8Gly; replaces arginine 8 with glycine.
Molecular consequence: missense variant.
Genome position (GRCh38, 1-based): chr17:50,201,492, G>C on the plus strand (C>G on the coding strand, the complement: COL1A1 is on the minus strand). VCF-style: chr17-50201492-G-C. GRCh37 (hg19) VCF-style: chr17-48278853-G-C.
Other names: short protein forms R8G.
Identifiers: ClinVar variation 2761559 (VCV002761559.3), dbSNP rs775349207, ClinGen allele CA400230482.

ClinVar aggregate classification (germline): Uncertain significance (1 of 4 stars; one submission).

Conditions:
Osteogenesis imperfecta type I (OI1). Also called: OI, TYPE I; OSTEOGENESIS IMPERFECTA TARDA; OSTEOGENESIS IMPERFECTA WITH BLUE SCLERAE; Osteogenesis imperfecta type 1; Lobstein's Disease; Classic Non-deforming Osteogenesis Imperfecta with Blue Sclerae. Identifiers: Orphanet 216796, Orphanet 666, MedGen C0023931, MONDO:0008146, OMIM 166200. Disease mechanism: loss of function.

Submission:

Labcorp Genetics (formerly Invitae), Labcorp
Classification: Uncertain significance for Osteogenesis imperfecta type I. Last evaluated: 2023-09-19. Review status: criteria provided, single submitter. Criteria: Invitae Variant Classification Sherloc (09022015). Collection method: clinical testing. Allele origin: germline.
Comment: This sequence change replaces arginine, which is basic and polar, with glycine, which is neutral and non-polar, at codon 8 of the COL1A1 protein (p.Arg8Gly). This variant is not present in population databases (gnomAD no frequency). This variant has not been reported in the literature in individuals affected with COL1A1-related conditions. Advanced modeling of protein sequence and biophysical properties (such as structural, functional, and spatial information, amino acid conservation, physicochemical variation, residue mobility, and thermodynamic stability) has been performed at Invitae for this missense variant, however the output from this modeling did not meet the statistical confidence thresholds required to predict the impact of this variant on COL1A1 protein function. In summary, the available evidence is currently insufficient to determine the role of this variant in disease. Therefore, it has been classified as a Variant of Uncertain Significance.